The following is an entry in ClinVar:

ClinVar aggregate classification (germline): Uncertain significance (1 of 4 stars; one submission).

Allele frequency attached by ClinVar (database versions not stated): gnomAD exomes below 0.00001; gnomAD 0.00001.
gnomAD v4.1: 3 of 1,613,474 alleles (0.00019%); highest among the groups gnomAD compares: Middle Eastern, 0.016%; no homozygotes.

Submission:

Labcorp Genetics (formerly Invitae), Labcorp
Classification: Uncertain significance. Last evaluated: 2021-04-11. Review status: criteria provided, single submitter. Criteria: Invitae Variant Classification Sherloc (09022015). Collection method: clinical testing. Allele origin: germline.
Comment: In summary, the available evidence is currently insufficient to determine the role of this variant in disease. Therefore, it has been classified as a Variant of Uncertain Significance. Algorithms developed to predict the effect of missense changes on protein structure and function (SIFT, PolyPhen-2, Align-GVGD) all suggest that this variant is likely to be tolerated, but these predictions have not been confirmed by published functional studies and their clinical significance is uncertain. This variant has not been reported in the literature in individuals with CARMIL2-related conditions. This variant is not present in population databases (ExAC no frequency). This sequence change replaces methionine with threonine at codon 865 of the CARMIL2 protein (p.Met865Thr). The methionine residue is moderately conserved and there is a moderate physicochemical difference between methionine and threonine.

NM_001013838.3(CARMIL2):c.2594T>C (p.Met865Thr)

Gene: CARMIL2 (capping protein regulator and myosin 1 linker 2; plus strand). Cytogenetic location: 16q22.1.
Variant type: single nucleotide variant.
Coding change: c.2594T>C on transcript NM_001013838.3 (MANE Select); coding-DNA position 2594, T replaced by C.
Protein change: p.Met865Thr; replaces methionine 865 with threonine.
Molecular consequence: missense variant.
Genome position (GRCh38, 1-based): chr16:67,651,926, T>C. VCF-style: chr16-67651926-T-C. GRCh37 (hg19) VCF-style: chr16-67685829-T-C.
Other names: c.2486T>C, p.Met829Thr (NM_001317026.3); short protein forms M829T, M865T.
Identifiers: ClinVar variation 1466742 (VCV001466742.8), dbSNP rs967274717, ClinGen allele CA283209262.